The following is an entry in ClinVar:

NM_001242.5(CD27):c.277G>A (p.Val93Ile)

Genes: CD27 (CD27 molecule; plus strand), CD27-AS1 (CD27 antisense RNA 1; minus strand). Cytogenetic location: 12p13.31.
Variant type: single nucleotide variant.
Coding change: c.277G>A on transcript NM_001242.5 (MANE Select); coding-DNA position 277, G replaced by A.
Protein change: p.Val93Ile; replaces valine 93 with isoleucine.
Molecular consequence: missense variant.
Genome position (GRCh38, 1-based): chr12:6,450,181, G>A. VCF-style: chr12-6450181-G-A. GRCh37 (hg19) VCF-style: chr12-6559347-G-A.
Other names: short protein forms V93I.
Identifiers: ClinVar variation 575563 (VCV000575563.10), dbSNP rs761113232, ClinGen allele CA6406939.
Genomic context (GRCh38, chr12:6,450,181, plus strand): 5'-AGGTCTCCACAGGTCTGAGTGTCCTATGCTCCCTGGGCCTCTCTTCCCCCAGGTCTTCTC[G>A]TTCGCAACTGCACCATCACTGCCAATGCTGAGTGTGCCTGTCGCAATGGCTGGCAGTGCA-3'
Protein context (NP_001233.2, residues 83-103): SCRHCNSGLL[Val93Ile]RNCTITANAE

ClinVar aggregate classification (germline): Uncertain significance. Review status: criteria provided, multiple submitters, no conflicts (2 of 4 stars). 2 submissions from 2 submitters: Uncertain significance (2). Last evaluated 2024-06-16.

Conditions:
Lymphoproliferative syndrome 2 (LPFS2). Also called: Combined immunodeficiency due to CD27 deficiency; CD27 DEFICIENCY. Identifiers: Orphanet 238505, MedGen C3554540, MONDO:0014054, OMIM 615122.

Allele frequency attached by ClinVar (database versions not stated): gnomAD 0.00001; gnomAD exomes 0.00002 and 0.00003; ExAC 0.00003; TOPMed 0.00002.
gnomAD v4.1: 17 of 1,611,840 alleles (0.0011%); highest among the groups gnomAD compares: East Asian, 0.0089%; no homozygotes.

Submissions (2):

Fulgent Genetics
Classification: Uncertain significance for Lymphoproliferative syndrome 2. Last evaluated: 2024-06-16. Review status: criteria provided, single submitter. Criteria: ACMG Guidelines, 2015. Collection method: clinical testing. Allele origin: germline.

Labcorp Genetics (formerly Invitae), Labcorp
Classification: Uncertain significance for Lymphoproliferative syndrome 2. Last evaluated: 2023-12-14. Review status: criteria provided, single submitter. Criteria: Invitae Variant Classification Sherloc (09022015). Collection method: clinical testing. Allele origin: germline.
Comment: This sequence change replaces valine, which is neutral and non-polar, with isoleucine, which is neutral and non-polar, at codon 93 of the CD27 protein (p.Val93Ile). This variant is present in population databases (rs761113232, gnomAD 0.02%). This variant has not been reported in the literature in individuals affected with CD27-related conditions. ClinVar contains an entry for this variant (Variation ID: 575563). Advanced modeling of protein sequence and biophysical properties (such as structural, functional, and spatial information, amino acid conservation, physicochemical variation, residue mobility, and thermodynamic stability) performed at Invitae indicates that this missense variant is not expected to disrupt CD27 protein function with a negative predictive value of 80%. In summary, the available evidence is currently insufficient to determine the role of this variant in disease. Therefore, it has been classified as a Variant of Uncertain Significance.